The following is an entry in ClinVar:

ClinVar aggregate classification (germline): Benign. Review status: criteria provided, multiple submitters, no conflicts (2 of 4 stars). 2 submissions from 2 submitters: Benign (2). Last evaluated 2025-01-30.

Allele frequency attached by ClinVar (database versions not stated): 1000 Genomes Project 30x 0.00047; gnomAD exomes 0.00022; 1000 Genomes Project 0.00060; ExAC 0.00016; gnomAD 0.00016.
gnomAD v4.1: 97 of 1,614,210 alleles (0.006%); highest among the groups gnomAD compares: East Asian, 0.19%; no homozygotes.

Submissions (2):

Athena Diagnostics
Classification: Benign. Last evaluated: 2025-01-30. Review status: criteria provided, single submitter. Criteria: Athena Diagnostics Criteria. Collection method: clinical testing. Allele origin: unknown.
Comment: The frequency of this variant in the general population is higher than would generally be expected for pathogenic variants in this gene.

Labcorp Genetics (formerly Invitae), Labcorp
Classification: Benign. Last evaluated: 2025-01-22. Review status: criteria provided, single submitter. Criteria: Invitae Variant Classification Sherloc (09022015). Collection method: clinical testing. Allele origin: germline.

NM_000435.3(NOTCH3):c.5460C>A (p.Ile1820=)

Gene: NOTCH3 (notch receptor 3; minus strand). Cytogenetic location: 19p13.12.
Variant type: single nucleotide variant.
Coding change: c.5460C>A on transcript NM_000435.3 (MANE Select); coding-DNA position 5460, C replaced by A.
Protein change: p.Ile1820=; no amino-acid change (isoleucine 1820 retained).
Molecular consequence: synonymous variant.
Genome position (GRCh38, 1-based): chr19:15,165,994, G>T on the plus strand (C>A on the coding strand, the complement: NOTCH3 is on the minus strand). VCF-style: chr19-15165994-G-T. GRCh37 (hg19) VCF-style: chr19-15276805-G-T.
Identifiers: ClinVar variation 786809 (VCV000786809.7), dbSNP rs114661066, ClinGen allele CA9262620.